The following is an entry in ClinVar:

NM_000760.4(CSF3R):c.2417G>C (p.Ser806Thr)

Gene: CSF3R (colony stimulating factor 3 receptor; minus strand). Cytogenetic location: 1p34.3.
Variant type: single nucleotide variant.
Coding change: c.2417G>C on transcript NM_000760.4 (MANE Select); coding-DNA position 2417, G replaced by C.
Protein change: p.Ser806Thr; replaces serine 806 with threonine.
Molecular consequence: missense variant. On other transcripts: intron variant (1).
Genome position (GRCh38, 1-based): chr1:36,466,451, C>G on the plus strand (G>C on the coding strand, the complement: CSF3R is on the minus strand). VCF-style: chr1-36466451-C-G. GRCh37 (hg19) VCF-style: chr1-36932052-C-G.
Other names: c.2498G>C, p.Ser833Thr (NM_156039.3); c.2247+170G>C (NM_172313.3); short protein forms S806T, S833T.
Identifiers: ClinVar variation 1398505 (VCV001398505.8), dbSNP rs927190839, ClinGen allele CA20742047.

ClinVar aggregate classification (germline): Uncertain significance (1 of 4 stars; one submission).

Conditions:
Autosomal recessive severe congenital neutropenia due to CSF3R deficiency. Also called: Neutropenia, severe congenital, 7, autosomal recessive. Identifiers: Orphanet 420702, MedGen C4310764, MONDO:0014865, OMIM 617014.

Allele frequency attached by ClinVar (database versions not stated): gnomAD exomes below 0.00001 and 0.00002.
gnomAD v4.1: 10 of 1,612,892 alleles (0.00062%); highest among the groups gnomAD compares: South Asian, 0.0011%; no homozygotes.

Submission:

Labcorp Genetics (formerly Invitae), Labcorp
Classification: Uncertain significance for Autosomal recessive severe congenital neutropenia due to CSF3R deficiency. Last evaluated: 2025-10-06. Review status: criteria provided, single submitter. Criteria: Invitae Variant Classification Sherloc (09022015). Collection method: clinical testing. Allele origin: germline.
Comment: This sequence change replaces serine, which is neutral and polar, with threonine, which is neutral and polar, at codon 806 of the CSF3R protein (p.Ser806Thr). This variant is present in population databases (no rsID available, gnomAD 0.0009%). This variant has not been reported in the literature in individuals affected with CSF3R-related conditions. ClinVar contains an entry for this variant (Variation ID: 1398505). An algorithm developed to predict the effect of missense changes on protein structure and function (PolyPhen-2) suggests that this variant is likely to be tolerated. In summary, the available evidence is currently insufficient to determine the role of this variant in disease. Therefore, it has been classified as a Variant of Uncertain Significance.